The following is an entry in ClinVar:

ClinVar aggregate classification (germline): Likely benign. Review status: criteria provided, multiple submitters, no conflicts (2 of 4 stars). 2 submissions from 2 submitters: Likely benign (2). Last evaluated 2021-02-16.

Conditions:
Autosomal recessive limb-girdle muscular dystrophy type 2J (LGMDR10). Also called: Limb-girdle muscular dystrophy, type 2J; MUSCULAR DYSTROPHY, LIMB-GIRDLE, AUTOSOMAL RECESSIVE 10. Identifiers: Orphanet 140922, MedGen C1837342, MONDO:0012127, OMIM 608807.
Dilated cardiomyopathy 1G (CMD1G). Identifiers: Orphanet 154, MedGen C1858763, MONDO:0011400, OMIM 604145.

Allele frequency attached by ClinVar (database versions not stated): TOPMed 0.00001; gnomAD exomes 0.00002.
gnomAD v4.1: 23 of 1,613,156 alleles (0.0014%); highest among the groups gnomAD compares: East Asian, 0.0089%; no homozygotes.

Submissions (2):

Labcorp Genetics (formerly Invitae), Labcorp
Classification: Likely benign for Dilated cardiomyopathy 1G; Autosomal recessive limb-girdle muscular dystrophy type 2J. Last evaluated: 2021-02-16. Review status: criteria provided, single submitter. Criteria: Invitae Variant Classification Sherloc (09022015). Collection method: clinical testing. Allele origin: germline.

GeneDx
Classification: Likely benign. Last evaluated: 2017-09-11. Review status: criteria provided, single submitter. Criteria: GeneDx Variant Classification (06012015). Collection method: clinical testing. Allele origin: germline. Affected: yes.
Comment: This variant is considered likely benign or benign based on one or more of the following criteria: it is a conservative change, it occurs at a poorly conserved position in the protein, it is predicted to be benign by multiple in silico algorithms, and/or has population frequency not consistent with disease.

NM_001267550.2(TTN):c.43044C>T (p.His14348=)

Gene: TTN (titin; minus strand). Cytogenetic location: 2q31.2.
Variant type: single nucleotide variant.
Coding change: c.43044C>T on transcript NM_001267550.2 (MANE Select); coding-DNA position 43044, C replaced by T.
Protein change: p.His14348=; no amino-acid change (histidine 14348 retained).
Molecular consequence: synonymous variant.
Genome position (GRCh38, 1-based): chr2:178,633,229, G>A on the plus strand (C>T on the coding strand, the complement: TTN is on the minus strand). VCF-style: chr2-178633229-G-A. GRCh37 (hg19) VCF-style: chr2-179497956-G-A.
Other names: c.38121C>T, p.His12707= (NM_001256850.1); c.15849C>T, p.His5283= (NM_003319.4); c.35340C>T, p.His11780= (NM_133378.4); c.16224C>T, p.His5408= (NM_133432.3); c.16425C>T, p.His5475= (NM_133437.4).
Identifiers: ClinVar variation 413220 (VCV000413220.12), dbSNP rs1060503970, ClinGen allele CA16610406.